The following is an entry in ClinVar:

NM_177438.3(DICER1):c.2755C>G (p.Pro919Ala)

Gene: DICER1 (dicer 1, ribonuclease III; minus strand). Cytogenetic location: 14q32.13.
Variant type: single nucleotide variant.
Coding change: c.2755C>G on transcript NM_177438.3 (MANE Select); coding-DNA position 2755, C replaced by G.
Protein change: p.Pro919Ala; replaces proline 919 with alanine.
Molecular consequence: missense variant. On other transcripts: non-coding transcript variant (6).
Genome position (GRCh38, 1-based): chr14:95,107,657, G>C on the plus strand (C>G on the coding strand, the complement: DICER1 is on the minus strand). VCF-style: chr14-95107657-G-C. GRCh37 (hg19) VCF-style: chr14-95573994-G-C.
Other names: c.2755C>G, p.Pro919Ala (NM_001195573.1, NM_001271282.3, NM_001291628.2 and 12 more transcripts); c.2473C>G, p.Pro825Ala (NM_001395686.1); c.2350C>G, p.Pro784Ala (NM_001395687.1, NM_001395696.1, NM_001395688.1 and 2 more transcripts); c.1072C>G, p.Pro358Ala (NM_001395697.1); c.2188C>G, p.Pro730Ala (NM_001395691.1); short protein forms P825A, P358A, P784A, P919A, P730A.
Identifiers: ClinVar variation 3661178 (VCV003661178.2).
Genomic context (GRCh38, chr14:95,107,657, plus strand): 5'-TAAATACCTACCTTGGAATGATAACGGCATCTTGGTAATCTTCTAATTTAAAAACAAAGG[G>C]TGTTTCTTTTGTATACTTTGTACTGGGAATGCCTATGCGAGCTTCAGACTTCTCAATATC-3'
Protein context (NP_803187.1, residues 909-929): IPSTKYTKET[Pro919Ala]FVFKLEDYQD

ClinVar aggregate classification (germline): Uncertain significance (1 of 4 stars; one submission).

Conditions:
DICER1-related tumor predisposition. Also called: DICER1-related pleuropulmonary blastoma cancer predisposition syndrome; DICER1 syndrome. Identifiers: Orphanet 284343, MedGen C3839822, MONDO:0100216.

gnomAD v4.1: 1 of 1,612,748 alleles (0.000062%); highest among the groups gnomAD compares: Non-Finnish European, 0.000085%; no homozygotes.

Submission:

Labcorp Genetics (formerly Invitae), Labcorp
Classification: Uncertain significance for DICER1-related tumor predisposition. Last evaluated: 2024-08-01. Review status: criteria provided, single submitter. Criteria: Invitae Variant Classification Sherloc (09022015). Collection method: clinical testing. Allele origin: germline.
Comment: This sequence change replaces proline, which is neutral and non-polar, with alanine, which is neutral and non-polar, at codon 919 of the DICER1 protein (p.Pro919Ala). This variant is not present in population databases (gnomAD no frequency). This variant has not been reported in the literature in individuals affected with DICER1-related conditions. Advanced modeling of protein sequence and biophysical properties (such as structural, functional, and spatial information, amino acid conservation, physicochemical variation, residue mobility, and thermodynamic stability) performed at Invitae indicates that this missense variant is not expected to disrupt DICER1 protein function with a negative predictive value of 80%. In summary, the available evidence is currently insufficient to determine the role of this variant in disease. Therefore, it has been classified as a Variant of Uncertain Significance.